The following is an entry in ClinVar:

NM_206933.4(USH2A):c.8085A>C (p.Lys2695Asn)

Gene: USH2A (usherin; minus strand). Cytogenetic location: 1q41.
Variant type: single nucleotide variant.
Coding change: c.8085A>C on transcript NM_206933.4 (MANE Select); coding-DNA position 8085, A replaced by C.
Protein change: p.Lys2695Asn; replaces lysine 2695 with asparagine.
Molecular consequence: missense variant.
Genome position (GRCh38, 1-based): chr1:215,888,564, T>G on the plus strand (A>C on the coding strand, the complement: USH2A is on the minus strand). VCF-style: chr1-215888564-T-G. GRCh37 (hg19) VCF-style: chr1-216061906-T-G.
Other names: short protein forms K2695N.
Identifiers: ClinVar variation 1923977 (VCV001923977.2), dbSNP rs1665126379, ClinGen allele CA344838926.

ClinVar aggregate classification (germline): Uncertain significance (1 of 4 stars; one submission).

Allele frequency attached by ClinVar (database versions not stated): gnomAD exomes below 0.00001; TOPMed below 0.00001.
gnomAD v4.1: 1 of 1,614,182 alleles (0.000062%); highest among the groups gnomAD compares: Admixed American, 0.0017%; no homozygotes.

Submission:

Labcorp Genetics (formerly Invitae), Labcorp
Classification: Uncertain significance. Last evaluated: 2022-06-13. Review status: criteria provided, single submitter. Criteria: Invitae Variant Classification Sherloc (09022015). Collection method: clinical testing. Allele origin: germline.
Comment: This sequence change replaces lysine, which is basic and polar, with asparagine, which is neutral and polar, at codon 2695 of the USH2A protein (p.Lys2695Asn). This variant is not present in population databases (gnomAD no frequency). This variant has not been reported in the literature in individuals affected with USH2A-related conditions. Algorithms developed to predict the effect of missense changes on protein structure and function output the following: SIFT: "Deleterious"; PolyPhen-2: "Benign"; Align-GVGD: "Class C15". The asparagine amino acid residue is found in multiple mammalian species, which suggests that this missense change does not adversely affect protein function. In summary, the available evidence is currently insufficient to determine the role of this variant in disease. Therefore, it has been classified as a Variant of Uncertain Significance.